The following is an entry in ClinVar:

NM_000094.4(COL7A1):c.6449del (p.Gly2150fs)

Gene: COL7A1 (collagen type VII alpha 1 chain; minus strand). Cytogenetic location: 3p21.31.
Variant type: Deletion.
Coding change: c.6449del on transcript NM_000094.4 (MANE Select); coding-DNA position 6449, one base deleted (G; older notation c.6449delG).
Protein change: p.Gly2150fs; shifts the reading frame from glycine 2150.
Molecular consequence: frameshift variant.
Genome position (GRCh38, 1-based): chr3:48,574,495, C deleted on the plus strand (G on the coding strand, the reverse complement: COL7A1 is on the minus strand); the first of 2 consecutive C bases (chr3:48,574,495-48,574,496); deleting either gives the same sequence. VCF-style (leftmost placement, unchanged base first): chr3-48574494-GC-G. GRCh37 (hg19) VCF-style: chr3-48611927-GC-G.
Other names: short protein forms G2150fs.
Identifiers: ClinVar variation 2704496 (VCV002704496.3), dbSNP rs2530947513, ClinGen allele CA2697550858.

ClinVar aggregate classification (germline): Pathogenic (1 of 4 stars; one submission).

Submission:

Labcorp Genetics (formerly Invitae), Labcorp
Classification: Pathogenic. Last evaluated: 2023-12-26. Review status: criteria provided, single submitter. Criteria: Invitae Variant Classification Sherloc (09022015). Collection method: clinical testing. Allele origin: germline.
Comment: This sequence change creates a premature translational stop signal (p.Gly2150Alafs*56) in the COL7A1 gene. It is expected to result in an absent or disrupted protein product. Loss-of-function variants in COL7A1 are known to be pathogenic (PMID: 16971478). This variant is not present in population databases (gnomAD no frequency). This variant has not been reported in the literature in individuals affected with COL7A1-related conditions. For these reasons, this variant has been classified as Pathogenic.

Literature cited by the submitters: PubMed 16971478.